The following is an entry in ClinVar:

NM_001042492.3(NF1):c.3395del (p.Arg1132fs)

Gene: NF1 (neurofibromin 1; plus strand). Cytogenetic location: 17q11.2.
Variant type: Deletion.
Coding change: c.3395del on transcript NM_001042492.3 (MANE Select); coding-DNA position 3395, one base deleted (G; older notation c.3395delG).
Protein change: p.Arg1132fs; shifts the reading frame from arginine 1132.
Molecular consequence: frameshift variant.
Genome position (GRCh38, 1-based): chr17:31,232,780, G deleted. VCF-style (leftmost placement, unchanged base first): chr17-31232779-CG-C. GRCh37 (hg19) VCF-style: chr17-29559797-CG-C.
Other names: c.3395delG, p.Arg1132Leufs (NM_000267.4); short protein forms R1132fs.
Identifiers: ClinVar variation 2815975 (VCV002815975.3), dbSNP rs2508231747, ClinGen allele CA2739267371.

ClinVar aggregate classification (germline): Pathogenic (1 of 4 stars; one submission).

Conditions:
Neurofibromatosis, type 1 (NF1). Also called: VON RECKLINGHAUSEN DISEASE; Peripheral type neurofibromatosis; Neurofibromatosis, type I; NEUROFIBROMATOSIS, TYPE I, SOMATIC. Identifiers: Orphanet 636, MedGen C0027831, MONDO:0018975, OMIM 162200. Disease mechanism: loss of function.

Submission:

Labcorp Genetics (formerly Invitae), Labcorp
Classification: Pathogenic for Neurofibromatosis, type 1. Last evaluated: 2022-11-23. Review status: criteria provided, single submitter. Criteria: Invitae Variant Classification Sherloc (09022015). Collection method: clinical testing. Allele origin: germline.
Comment: This sequence change creates a premature translational stop signal (p.Arg1132Leufs*10) in the NF1 gene. It is expected to result in an absent or disrupted protein product. Loss-of-function variants in NF1 are known to be pathogenic (PMID: 10712197, 23913538). This variant is not present in population databases (gnomAD no frequency). This variant has not been reported in the literature in individuals affected with NF1-related conditions. For these reasons, this variant has been classified as Pathogenic.

Literature cited by the submitters: PubMed 10712197; PubMed 23913538.